The following is an entry in ClinVar:

NM_000465.4(BARD1):c.1864C>T (p.Leu622Phe)

Gene: BARD1 (BRCA1 associated RING domain 1; minus strand). Cytogenetic location: 2q35.
Variant type: single nucleotide variant.
Coding change: c.1864C>T on transcript NM_000465.4 (MANE Select); coding-DNA position 1864, C replaced by T.
Protein change: p.Leu622Phe; replaces leucine 622 with phenylalanine.
Molecular consequence: missense variant. On other transcripts: non-coding transcript variant (3), intron variant (1).
Genome position (GRCh38, 1-based): chr2:214,745,106, G>A on the plus strand (C>T on the coding strand, the complement: BARD1 is on the minus strand). VCF-style: chr2-214745106-G-A. GRCh37 (hg19) VCF-style: chr2-215609830-G-A.
Other names: c.1807C>T, p.Leu603Phe (NM_001282543.2); c.511C>T, p.Leu171Phe (NM_001282545.2); c.454C>T, p.Leu152Phe (NM_001282548.2); c.365-14598C>T (NM_001282549.2); short protein forms L152F, L171F, L603F, L622F.
Identifiers: ClinVar variation 1781555 (VCV001781555.11), dbSNP rs1453151719, ClinGen allele CA350452151.

ClinVar aggregate classification (germline): Conflicting classifications of pathogenicity. Review status: criteria provided, conflicting classifications (1 of 4 stars). 4 submissions from 4 submitters: Uncertain significance (3); Likely benign (1). Last evaluated 2025-11-18.

Conditions:
Hereditary cancer-predisposing syndrome. Also called: Neoplastic Syndromes, Hereditary; Tumor predisposition; Hereditary Cancer Syndrome; Hereditary neoplastic syndrome. Identifiers: Orphanet 140162, MedGen C0027672, MeSH D009386, MONDO:0015356.
Familial cancer of breast. Also called: BREAST CANCER, FAMILIAL; Hereditary breast cancer; hereditary breast carcinoma. Identifiers: Orphanet 227535, MedGen C0346153, MONDO:0016419, OMIM 114480. Disease mechanism: loss of function.

Submissions (4):

Labcorp Genetics (formerly Invitae), Labcorp
Classification: Uncertain significance for Familial cancer of breast. Last evaluated: 2025-11-18. Review status: criteria provided, single submitter. Criteria: Invitae Variant Classification Sherloc (09022015). Collection method: clinical testing. Allele origin: germline.
Comment: This sequence change replaces leucine, which is neutral and non-polar, with phenylalanine, which is neutral and non-polar, at codon 622 of the BARD1 protein (p.Leu622Phe). This variant is not present in population databases (gnomAD no frequency). This variant has not been reported in the literature in individuals affected with BARD1-related conditions. ClinVar contains an entry for this variant (Variation ID: 1781555). An algorithm developed to predict the effect of missense changes on protein structure and function (PolyPhen-2) suggests that this variant is likely to be disruptive. In summary, the available evidence is currently insufficient to determine the role of this variant in disease. Therefore, it has been classified as a Variant of Uncertain Significance.

Color Diagnostics, LLC DBA Color Health
Classification: Likely benign for Hereditary cancer-predisposing syndrome. Last evaluated: 2025-08-08. Review status: criteria provided, single submitter. Criteria: ACMG Guidelines, 2015. Collection method: clinical testing. Allele origin: germline.

Ambry Genetics
Classification: Uncertain significance for Hereditary cancer-predisposing syndrome. Last evaluated: 2024-04-10. Review status: criteria provided, single submitter. Criteria: Ambry Variant Classification Scheme 2023. Collection method: clinical testing. Allele origin: germline.
Comment: The p.L622F variant (also known as c.1864C>T), located in coding exon 9 of the BARD1 gene, results from a C to T substitution at nucleotide position 1864. The leucine at codon 622 is replaced by phenylalanine, an amino acid with highly similar properties. This amino acid position is well conserved in available vertebrate species. In addition, this alteration is predicted to be tolerated by in silico analysis. Since supporting evidence is limited at this time, the clinical significance of this alteration remains unclear.

Revvity Omics, Revvity
Classification: Uncertain significance. Last evaluated: 2023-05-08. Review status: criteria provided, single submitter. Criteria: ACMG Guidelines, 2015. Collection method: clinical testing. Allele origin: germline.